The following is an entry in ClinVar:

ClinVar aggregate classification (germline): Likely benign (1 of 4 stars; one submission).

Conditions:
TUB-related disorder. Also called: TUB-related condition.

Submission:

PreventionGenetics, part of Exact Sciences
Classification: Likely benign for TUB-related condition. Last evaluated: 2025-05-23. Review status: criteria provided, single submitter. Criteria: ACMG Guidelines, 2015. Collection method: clinical testing. Allele origin: germline.
Comment: This variant is classified as likely benign based on ACMG/AMP sequence variant interpretation guidelines (Richards et al. 2015 PMID: 25741868, with internal and published modifications).

NM_177972.3(TUB):c.204C>A (p.Ala68=)

Gene: TUB (TUB bipartite transcription factor; plus strand). Cytogenetic location: 11p15.4.
Variant type: single nucleotide variant.
Coding change: c.204C>A on transcript NM_177972.3 (MANE Select); coding-DNA position 204, C replaced by A.
Protein change: p.Ala68=; no amino-acid change (alanine 68 retained).
Molecular consequence: synonymous variant.
Genome position (GRCh38, 1-based): chr11:8,090,182, C>A. VCF-style: chr11-8090182-C-A. GRCh37 (hg19) VCF-style: chr11-8111729-C-A.
Other names: c.222C>A, p.Ala74= (NM_001440538.1, NM_001440539.1, NM_001440540.1 and 1 more transcripts); c.204C>A, p.Ala68= (NM_001440541.1); c.369C>A, p.Ala123= (NM_003320.5).
Identifiers: ClinVar variation 4985108 (VCV004985108.1).